The following is an entry in ClinVar:

ClinVar aggregate classification (germline): Benign (0 of 4 stars; one submission).

Conditions:
POLQ-related disorder. Also called: POLQ-related condition.

Allele frequency attached by ClinVar (database versions not stated): gnomAD exomes 0.00033; ExAC 0.00129; gnomAD 0.00367; TOPMed 0.00411; ESP Exome Variant Server 0.00423; 1000 Genomes Project 0.00499; 1000 Genomes Project 30x 0.00531.

Submissions (2):

PreventionGenetics, part of Exact Sciences
Classification: Benign for POLQ-related condition. Last evaluated: 2019-09-25. Review status: no assertion criteria provided. Collection method: clinical testing. Allele origin: germline.
Comment: This variant is classified as benign based on ACMG/AMP sequence variant interpretation guidelines (Richards et al. 2015 PMID: 25741868, with internal and published modifications).

Dr. Peter K. Rogan Lab, Western University
No classification provided (evidence only). Condition: Clear cell carcinoma of kidney. Review status: no classification provided. Collection method: in vitro. Allele origin: not applicable. Functional consequence: retained intron. Not counted in ClinVar's aggregate classification.

NM_199420.4(POLQ):c.4684G>T (p.Asp1562Tyr)

Gene: POLQ (DNA polymerase theta; minus strand). Cytogenetic location: 3q13.33.
Variant type: single nucleotide variant.
Coding change: c.4684G>T on transcript NM_199420.4 (MANE Select); coding-DNA position 4684, G replaced by T.
Protein change: p.Asp1562Tyr; replaces aspartic acid 1562 with tyrosine.
Molecular consequence: missense variant.
Genome position (GRCh38, 1-based): chr3:121,488,247, C>A on the plus strand (G>T on the coding strand, the complement: POLQ is on the minus strand). VCF-style: chr3-121488247-C-A. GRCh37 (hg19) VCF-style: chr3-121207094-C-A.
Other names: NC_000003.11:g.121207094C>A; short protein forms D1562Y.
Identifiers: ClinVar variation 3039804 (VCV003039804.3), dbSNP rs3218643, ClinGen allele CA2562857.